The following is an entry in ClinVar:

NM_001276270.2(MBD4):c.746G>C (p.Gly249Ala)

Gene: MBD4 (methyl-CpG binding domain 4, DNA glycosylase; minus strand). Cytogenetic location: 3q21.3.
Variant type: single nucleotide variant.
Coding change: c.746G>C on transcript NM_001276270.2 (MANE Select); coding-DNA position 746, G replaced by C.
Protein change: p.Gly249Ala; replaces glycine 249 with alanine.
Molecular consequence: missense variant. On other transcripts: intron variant (1).
Genome position (GRCh38, 1-based): chr3:129,436,898, C>G on the plus strand (G>C on the coding strand, the complement: MBD4 is on the minus strand). VCF-style: chr3-129436898-C-G. GRCh37 (hg19) VCF-style: chr3-129155741-C-G.
Other names: c.746G>C, p.Gly249Ala (NM_001276271.2, NM_001276272.2, NM_003925.3); c.247+910G>C (NM_001276273.2); short protein forms G249A.
Identifiers: ClinVar variation 3630602 (VCV003630602.2).

ClinVar aggregate classification (germline): Uncertain significance. Review status: criteria provided, multiple submitters, no conflicts (2 of 4 stars). 2 submissions from 2 submitters: Uncertain significance (2). Last evaluated 2025-03-31.

Conditions:
Inborn genetic diseases. Identifiers: MedGen C0950123, MeSH D030342.

gnomAD v4.1: 26 of 1,614,142 alleles (0.0016%); highest among the groups gnomAD compares: Middle Eastern, 0.066%; no homozygotes.

Submissions (2):

Ambry Genetics
Classification: Uncertain significance for Inborn genetic diseases. Last evaluated: 2025-03-31. Review status: criteria provided, single submitter. Criteria: Ambry Variant Classification Scheme 2023. Collection method: clinical testing. Allele origin: germline.
Comment: The p.G249A variant (also known as c.746G>C), located in coding exon 3 of the MBD4 gene, results from a G to C substitution at nucleotide position 746. The glycine at codon 249 is replaced by alanine, an amino acid with similar properties. This amino acid position is conserved. In addition, this alteration is predicted to be tolerated by in silico analysis. Based on the available evidence, the clinical significance of this variant remains unclear.

Labcorp Genetics (formerly Invitae), Labcorp
Classification: Uncertain significance. Last evaluated: 2025-01-14. Review status: criteria provided, single submitter. Criteria: Invitae Variant Classification Sherloc (09022015). Collection method: clinical testing. Allele origin: germline.
Comment: This sequence change replaces glycine, which is neutral and non-polar, with alanine, which is neutral and non-polar, at codon 249 of the MBD4 protein (p.Gly249Ala). This variant is present in population databases (rs532175978, gnomAD 0.005%). This variant has not been reported in the literature in individuals affected with MBD4-related conditions. An algorithm developed to predict the effect of missense changes on protein structure and function (PolyPhen-2) suggests that this variant¬†is likely to be tolerated. In summary, the available evidence is currently insufficient to determine the role of this variant in disease. Therefore, it has been classified as a Variant of Uncertain Significance.